The following is an entry in ClinVar:

ClinVar aggregate classification (germline): Uncertain significance (1 of 4 stars; one submission).

Conditions:
Cardiovascular phenotype. Identifiers: MedGen CN230736.

Submission:

Ambry Genetics
Classification: Uncertain significance for Cardiovascular phenotype. Last evaluated: 2022-06-14. Review status: criteria provided, single submitter. Criteria: Ambry Variant Classification Scheme 2023. Collection method: clinical testing. Allele origin: germline.
Comment: The p.T132S variant (also known as c.395C>G), located in coding exon 4 of the LDB3 gene, results from a C to G substitution at nucleotide position 395. The threonine at codon 132 is replaced by serine, an amino acid with similar properties. This amino acid position is conserved. In addition, this alteration is predicted to be tolerated by in silico analysis. Since supporting evidence is limited at this time, the clinical significance of this alteration remains unclear.

NM_007078.3(LDB3):c.395C>G (p.Thr132Ser)

Gene: LDB3 (LIM domain binding 3; plus strand). Cytogenetic location: 10q23.2.
Variant type: single nucleotide variant.
Coding change: c.395C>G on transcript NM_007078.3 (MANE Select); coding-DNA position 395, C replaced by G.
Protein change: p.Thr132Ser; replaces threonine 132 with serine.
Molecular consequence: missense variant. On other transcripts: intron variant (5).
Genome position (GRCh38, 1-based): chr10:86,681,509, C>G. VCF-style: chr10-86681509-C-G. GRCh37 (hg19) VCF-style: chr10-88441266-C-G.
Other names: c.395C>G, p.Thr132Ser (NM_001080115.2, NM_001171610.2, NM_001171611.2 and 3 more transcripts); c.321+1352C>G (NM_001368068.1, NM_001368066.1, NM_001080114.2 and 2 more transcripts); short protein forms T132S.
Identifiers: ClinVar variation 1736498 (VCV001736498.2), dbSNP rs146527589, ClinGen allele CA377453387.
Genomic context (GRCh38, chr10:86,681,509, plus strand): 5'-ACACGAACGGCAGCCTGGTGGCACCCAGCCCCAGCCCTGAGGCGAGGGCCAGCCCAGGCA[C>G]CCCAGGCACCCCGGAGCTCAGGCCCACCTTTAGCCCTGCCTTCTCCCGGCCCTCCGCCTT-3'
Protein context (NP_009009.1, residues 122-142): PSPEARASPG[Thr132Ser]PGTPELRPTF